The following is an entry in ClinVar:

NM_001106.4(ACVR2B):c.925C>T (p.Arg309Cys)

Gene: ACVR2B (activin A receptor type 2B; plus strand). Cytogenetic location: 3p22.2.
Variant type: single nucleotide variant.
Coding change: c.925C>T on transcript NM_001106.4 (MANE Select); coding-DNA position 925, C replaced by T.
Protein change: p.Arg309Cys; replaces arginine 309 with cysteine.
Molecular consequence: missense variant.
Genome position (GRCh38, 1-based): chr3:38,479,792, C>T. VCF-style: chr3-38479792-C-T. GRCh37 (hg19) VCF-style: chr3-38521283-C-T.
Other names: short protein forms R309C.
Identifiers: ClinVar variation 999038 (VCV000999038.5), dbSNP rs769170500, ClinGen allele CA2318941.

ClinVar aggregate classification (germline): Uncertain significance (1 of 4 stars; one submission).

Conditions:
Heterotaxy, visceral, 4, autosomal (HTX4). Identifiers: Orphanet 450, MedGen C3151057, MONDO:0013403, OMIM 613751.

Allele frequency attached by ClinVar (database versions not stated): gnomAD 0.00001; ExAC 0.00002; gnomAD exomes 0.00002; TOPMed 0.00002.
gnomAD v4.1: 30 of 1,614,088 alleles (0.0019%); highest among the groups gnomAD compares: South Asian, 0.0055%; no homozygotes.

Submission:

Labcorp Genetics (formerly Invitae), Labcorp
Classification: Uncertain significance for Heterotaxy, visceral, 4, autosomal. Last evaluated: 2022-08-09. Review status: criteria provided, single submitter. Criteria: Invitae Variant Classification Sherloc (09022015). Collection method: clinical testing. Allele origin: germline.
Comment: ClinVar contains an entry for this variant (Variation ID: 999038). In summary, the available evidence is currently insufficient to determine the role of this variant in disease. Therefore, it has been classified as a Variant of Uncertain Significance. Algorithms developed to predict the effect of missense changes on protein structure and function are either unavailable or do not agree on the potential impact of this missense change (SIFT: "Deleterious"; PolyPhen-2: "Possibly Damaging"; Align-GVGD: "Class C0"). This variant has not been reported in the literature in individuals affected with ACVR2B-related conditions. This variant is present in population databases (rs769170500, gnomAD 0.006%). This sequence change replaces arginine, which is basic and polar, with cysteine, which is neutral and slightly polar, at codon 309 of the ACVR2B protein (p.Arg309Cys).